The following is an entry in ClinVar:

ClinVar aggregate classification (germline): Conflicting classifications of pathogenicity. Review status: criteria provided, conflicting classifications (1 of 4 stars). 8 submissions from 8 submitters: Uncertain significance (1); Benign (5); Likely benign (1). 1 of the submissions does not count toward it. Last evaluated 2025-02-16.

Conditions:
Dentatorubral-pallidoluysian atrophy (DRPLA). Also called: HAW RIVER SYNDROME; Naito Oyanagi disease; MYOCLONIC EPILEPSY WITH CHOREOATHETOSIS; ATAXIA, CHOREA, SEIZURES, AND DEMENTIA. Identifiers: Orphanet 101, MedGen C0751781, MONDO:0007435, OMIM 125370.

Submissions (8):

Laboratory of Genetics, Children's Clinical University Hospital Latvia
Classification: Benign. Last evaluated: 2025-02-16. Review status: criteria provided, single submitter. Criteria: ACMG Guidelines, 2015. Collection method: clinical testing. Allele origin: germline. Affected: yes.

Blueprint Genetics
Classification: Likely benign. Last evaluated: 2024-11-27. Review status: criteria provided, single submitter. Criteria: ACMG Guidelines, 2015. Collection method: clinical testing. Allele origin: germline.

Mayo Clinic Laboratories, Mayo Clinic
Classification: Benign. Last evaluated: 2022-08-24. Review status: criteria provided, single submitter. Criteria: ACMG Guidelines, 2015. Collection method: clinical testing. Allele origin: germline. Observed: 16 variant alleles.

GeneDx
Classification: Benign. Last evaluated: 2020-05-19. Review status: criteria provided, single submitter. Criteria: GeneDx Variant Classification Process June 2021. Collection method: clinical testing. Allele origin: germline. Affected: yes.
Comment: This variant is associated with the following publications: (PMID: 20977674, 15148151, 23263592, 8136840)

Institute for Genomic Medicine (IGM) Clinical Laboratory, Nationwide Children's Hospital
Classification: Benign. Last evaluated: 2017-03-20. Review status: criteria provided, single submitter. Criteria: ACMG Guidelines, 2015. Collection method: clinical testing. Allele origin: germline.
Comment: Normal variation in repetative sequence

Clinical Genetics DNA and cytogenetics Diagnostics Lab, Erasmus MC, Erasmus Medical Center
Classification: Benign for Dentatorubral-pallidoluysian atrophy. Last evaluated: 2015-09-28. Review status: criteria provided, single submitter. Criteria: ACGS Guidelines, 2013. Collection method: clinical testing. Allele origin: germline. Affected: yes. Study: VKGL Data-share Consensus.

Genetic Services Laboratory, University of Chicago
Classification: Uncertain significance. Last evaluated: 2014-06-27. Review status: criteria provided, single submitter. Criteria: ACMG Guidelines, 2015. Collection method: clinical testing. Allele origin: germline.

Department of Pathology and Laboratory Medicine, Sinai Health System
Classification: Likely benign. Review status: no assertion criteria provided. Collection method: clinical testing. Allele origin: unknown. Affected: yes. Study: The Canadian Open Genetics Repository (COGR). Not counted in ClinVar's aggregate classification.

Literature cited by the submitters: PubMed 8136840 (cited by Institute for Genomic Medicine (IGM) Clinical Laboratory, Nationwide Children's Hospital).

NM_001007026.1(ATN1):c.1462CAG[17] (p.Gln488[17])

Genes: ATN1 (atrophin 1; plus strand), LOC109461484 (atrophin 1 repeat instability region; plus strand). Cytogenetic location: 12p13.31.
Variant type: Microsatellite.
Coding change: c.1462CAG[17] on transcript NM_001007026.1; 17 copies in a row of the 3-base unit CAG starting at c.1462.
Protein change: p.Gln488[17].
Molecular consequence: inframe insertion (on NM_001940.4).
Genome position: GRCh38 VCF-style: chr12-6936728-A-ACAGCAG. GRCh37 (hg19) VCF-style: chr12-7045891-A-ACAGCAG.
Other names: p.Gln501_Gln502dup; c.1503_1508dup (NM_001007026.2); c.1464GCA[17], p.Gln501_Gln502dup (NM_001007026.2, NM_001940.4).
Identifiers: ClinVar variation 210377 (VCV000210377.18), dbSNP rs60216939, ClinGen allele CA209040.